The following is an entry in ClinVar:

ClinVar aggregate classification (germline): Likely benign (1 of 4 stars; one submission).

Allele frequency attached by ClinVar (database versions not stated): gnomAD exomes 0.00001.
gnomAD v4.1: 9 of 1,481,942 alleles (0.00061%); highest among the groups gnomAD compares: Non-Finnish European, 0.00083%; no homozygotes.

Submission:

GeneDx
Classification: Likely benign. Last evaluated: 2017-03-10. Review status: criteria provided, single submitter. Criteria: GeneDx Variant Classification (06012015). Collection method: clinical testing. Allele origin: germline. Affected: yes.
Comment: This variant is considered likely benign or benign based on one or more of the following criteria: it is a conservative change, it occurs at a poorly conserved position in the protein, it is predicted to be benign by multiple in silico algorithms, and/or has population frequency not consistent with disease.

NM_000304.4(PMP22):c.-34-18C>G

Gene: PMP22 (peripheral myelin protein 22; minus strand). Cytogenetic location: 17p12.
Variant type: single nucleotide variant.
Coding change: c.-34-18C>G on transcript NM_000304.4 (MANE Select); 18 bases into the intron before 34 bases upstream of the start codon, C replaced by G.
Molecular consequence: intron variant. On other transcripts: 5 prime UTR variant (1).
Genome position (GRCh38, 1-based): chr17:15,260,779, G>C on the plus strand (C>G on the coding strand, the complement: PMP22 is on the minus strand). VCF-style: chr17-15260779-G-C. GRCh37 (hg19) VCF-style: chr17-15164096-G-C.
Other names: c.-52C>G (NM_153322.3); c.-30-22C>G (NM_001281456.2); c.-34-18C>G (NM_153321.3, NM_001281455.2, NM_001330143.2).
Identifiers: ClinVar variation 516479 (VCV000516479.1), dbSNP rs1456366849, ClinGen allele CA624937098.